The following is an entry in ClinVar:

NM_001270508.2(TNFAIP3):c.1378G>A (p.Ala460Thr)

Gene: TNFAIP3 (TNF alpha induced protein 3; plus strand). Cytogenetic location: 6q23.3.
Variant type: single nucleotide variant.
Coding change: c.1378G>A on transcript NM_001270508.2 (MANE Select); coding-DNA position 1378, G replaced by A.
Protein change: p.Ala460Thr; replaces alanine 460 with threonine.
Molecular consequence: missense variant.
Genome position (GRCh38, 1-based): chr6:137,878,823, G>A. VCF-style: chr6-137878823-G-A. GRCh37 (hg19) VCF-style: chr6-138199960-G-A.
Other names: c.1378G>A, p.Ala460Thr (NM_001270507.2, NM_006290.4); short protein forms A460T.
Identifiers: ClinVar variation 1898071 (VCV001898071.5), dbSNP rs2114500215, ClinGen allele CA365790035.

ClinVar aggregate classification (germline): Uncertain significance (1 of 4 stars; one submission).

Allele frequency attached by ClinVar (database versions not stated): gnomAD exomes below 0.00001.
gnomAD v4.1: 4 of 1,614,056 alleles (0.00025%); highest among the groups gnomAD compares: Non-Finnish European, 0.00034%; no homozygotes.

Submission:

Labcorp Genetics (formerly Invitae), Labcorp
Classification: Uncertain significance. Last evaluated: 2022-07-21. Review status: criteria provided, single submitter. Criteria: Invitae Variant Classification Sherloc (09022015). Collection method: clinical testing. Allele origin: germline.
Comment: Algorithms developed to predict the effect of missense changes on protein structure and function are either unavailable or do not agree on the potential impact of this missense change (SIFT: "Deleterious"; PolyPhen-2: "Possibly Damaging"; Align-GVGD: "Class C0"). In summary, the available evidence is currently insufficient to determine the role of this variant in disease. Therefore, it has been classified as a Variant of Uncertain Significance. This variant has not been reported in the literature in individuals affected with TNFAIP3-related conditions. This variant is not present in population databases (gnomAD no frequency). This sequence change replaces alanine, which is neutral and non-polar, with threonine, which is neutral and polar, at codon 460 of the TNFAIP3 protein (p.Ala460Thr).